The following is an entry in ClinVar:

ClinVar aggregate classification (germline): Uncertain significance (1 of 4 stars; one submission).

Conditions:
MYH9-related disorder. Identifiers: MedGen C1854520.

Allele frequency attached by ClinVar (database versions not stated): TOPMed 0.00001.

Submission:

PreventionGenetics, part of Exact Sciences
Classification: Uncertain significance for MYH9-related condition. Last evaluated: 2022-10-24. Review status: criteria provided, single submitter. Criteria: ACMG Guidelines, 2015. Collection method: clinical testing. Allele origin: germline.
Comment: The MYH9 c.5465A>G variant is predicted to result in the amino acid substitution p.Gln1822Arg. To our knowledge, this variant has not been reported in the literature. This variant is reported in 0.011% of alleles in individuals of African descent in gnomAD. At this time, the clinical significance of this variant is uncertain due to the absence of conclusive functional and genetic evidence.

NM_002473.6(MYH9):c.5465A>G (p.Gln1822Arg)

Gene: MYH9 (myosin heavy chain 9; minus strand). Cytogenetic location: 22q12.3.
Variant type: single nucleotide variant.
Coding change: c.5465A>G on transcript NM_002473.6 (MANE Select); coding-DNA position 5465, A replaced by G.
Protein change: p.Gln1822Arg; replaces glutamine 1822 with arginine.
Molecular consequence: missense variant.
Genome position (GRCh38, 1-based): chr22:36,285,139, T>C on the plus strand (A>G on the coding strand, the complement: MYH9 is on the minus strand). VCF-style: chr22-36285139-T-C. GRCh37 (hg19) VCF-style: chr22-36681185-T-C.
Other names: short protein forms Q1822R.
Identifiers: ClinVar variation 2637007 (VCV002637007.1), dbSNP rs1398061733, ClinGen allele CA411373410.